The following is an entry in ClinVar:

NM_000526.5(KRT14):c.830G>T (p.Gly277Val)

Gene: KRT14 (keratin 14; minus strand). Cytogenetic location: 17q21.2.
Variant type: single nucleotide variant.
Coding change: c.830G>T on transcript NM_000526.5 (MANE Select); coding-DNA position 830, G replaced by T.
Protein change: p.Gly277Val; replaces glycine 277 with valine.
Molecular consequence: missense variant.
Genome position (GRCh38, 1-based): chr17:41,583,857, C>A on the plus strand (G>T on the coding strand, the complement: KRT14 is on the minus strand). VCF-style: chr17-41583857-C-A. GRCh37 (hg19) VCF-style: chr17-39740109-C-A.
Other names: short protein forms G277V.
Identifiers: ClinVar variation 1333699 (VCV001333699.1), dbSNP rs2144583128, ClinGen allele CA399477500.

ClinVar aggregate classification (germline): Uncertain significance (1 of 4 stars; one submission).

Conditions:
Epidermolysis bullosa simplex 1C, localized. Also called: EPIDERMOLYSIS BULLOSA OF HANDS AND FEET; Weber-Cockayne Syndrome; Epidermolysis Bullosa Simplex, Weber-Cockayne Type; EBS, ACRAL FORM; Localized epidermolysis bullosa simplex. Identifiers: Orphanet 79400, MedGen C0080333, MONDO:0007551, OMIM 131800.

Submission:

3billion
Classification: Uncertain significance for Epidermolysis bullosa simplex 1C, localized. Last evaluated: 2022-01-03. Review status: criteria provided, single submitter. Criteria: ACMG Guidelines, 2015. Collection method: clinical testing. Allele origin: germline. Affected: yes. Observed: 1 heterozygote.
Comment: The variant is located in a well-established functional domain or exonic hotspot, where pathogenic variants have frequently reported (PM1_M). It is not observed in the gnomAD v2.1.1 dataset (PM2_M). A missense variant is a common mechanism associated with Epidermolysis bullosa simplex (PP2_P). Therefore, this variant is classified as uncertain significance according to the recommendation of ACMG/AMP guideline.